The following is an entry in ClinVar:

ClinVar aggregate classification (germline): Uncertain significance. Review status: criteria provided, multiple submitters, no conflicts (2 of 4 stars). 2 submissions from 2 submitters: Uncertain significance (2). Last evaluated 2026-03-17.

Conditions:
Hereditary nonpolyposis colorectal neoplasms. Identifiers: MedGen C0009405, MeSH D003123.
Hereditary cancer-predisposing syndrome. Also called: Tumor predisposition; Hereditary Cancer Syndrome; Neoplastic Syndromes, Hereditary; Hereditary neoplastic syndrome. Identifiers: Orphanet 140162, MedGen C0027672, MeSH D009386, MONDO:0015356.

Submissions (2):

Ambry Genetics
Classification: Uncertain significance for Hereditary cancer-predisposing syndrome. Last evaluated: 2026-03-17. Review status: criteria provided, single submitter. Criteria: Ambry Variant Classification Scheme 2023. Collection method: clinical testing. Allele origin: germline.
Comment: The p.E1120D variant (also known as c.3360G>C), located in coding exon 5 of the MSH6 gene, results from a G to C substitution at nucleotide position 3360. The glutamic acid at codon 1120 is replaced by aspartic acid, an amino acid with highly similar properties. This amino acid position is conserved. In addition, this alteration is predicted to be tolerated by in silico analysis. Based on the available evidence, the clinical significance of this variant remains unclear.

Labcorp Genetics (formerly Invitae), Labcorp
Classification: Uncertain significance for Hereditary nonpolyposis colorectal neoplasms. Last evaluated: 2025-01-23. Review status: criteria provided, single submitter. Criteria: Invitae Variant Classification Sherloc (09022015). Collection method: clinical testing. Allele origin: germline.
Comment: This sequence change replaces glutamic acid, which is acidic and polar, with aspartic acid, which is acidic and polar, at codon 1120 of the MSH6 protein (p.Glu1120Asp). This variant is not present in population databases (gnomAD no frequency). This variant has not been reported in the literature in individuals affected with MSH6-related conditions. ClinVar contains an entry for this variant (Variation ID: 569889). Invitae Evidence Modeling of protein sequence and biophysical properties (such as structural, functional, and spatial information, amino acid conservation, physicochemical variation, residue mobility, and thermodynamic stability) indicates that this missense variant is not expected to disrupt MSH6 protein function with a negative predictive value of 95%. In summary, the available evidence is currently insufficient to determine the role of this variant in disease. Therefore, it has been classified as a Variant of Uncertain Significance.

NM_000179.3(MSH6):c.3360G>C (p.Glu1120Asp)

Gene: MSH6 (mutS homolog 6; plus strand). Cytogenetic location: 2p16.3.
Variant type: single nucleotide variant.
Coding change: c.3360G>C on transcript NM_000179.3 (MANE Select); coding-DNA position 3360, G replaced by C.
Protein change: p.Glu1120Asp; replaces glutamic acid 1120 with aspartic acid.
Molecular consequence: missense variant.
Genome position (GRCh38, 1-based): chr2:47,803,607, G>C. VCF-style: chr2-47803607-G-C. GRCh37 (hg19) VCF-style: chr2-48030746-G-C.
Other names: c.2970G>C, p.Glu990Asp (NM_001281492.2); c.2454G>C, p.Glu818Asp (NM_001281493.2, NM_001281494.2); short protein forms E1120D, E818D, E990D.
Identifiers: ClinVar variation 569889 (VCV000569889.10), dbSNP rs146737457, ClinGen allele CA346758777.